The following is an entry in ClinVar:

ClinVar aggregate classification (germline): Pathogenic (1 of 4 stars; one submission).

Conditions:
Ataxia-telangiectasia syndrome (AT). Also called: Ataxia-telangiectasia, complementation group D; LOUIS-BAR SYNDROME; ATAXIA-TELANGIECTASIA, COMPLEMENTATION GROUP A; ATAXIA-TELANGIECTASIA, FRESNO VARIANT; Ataxia telangiectasia (A-T); Cerebello-oculocutaneous telangiectasia. Identifiers: Orphanet 100, MedGen C0004135, MONDO:0008840, OMIM 208900.

Submission:

Labcorp Genetics (formerly Invitae), Labcorp
Classification: Pathogenic for Ataxia-telangiectasia syndrome. Last evaluated: 2023-06-04. Review status: criteria provided, single submitter. Criteria: Invitae Variant Classification Sherloc (09022015). Collection method: clinical testing. Allele origin: germline.
Comment: This variant is not present in population databases (gnomAD no frequency). This sequence change creates a premature translational stop signal (p.Tyr1297*) in the ATM gene. It is expected to result in an absent or disrupted protein product. Loss-of-function variants in ATM are known to be pathogenic (PMID: 23807571, 25614872). This variant has not been reported in the literature in individuals affected with ATM-related conditions. For these reasons, this variant has been classified as Pathogenic.

Literature cited by the submitters: PubMed 23807571; PubMed 25614872.

NM_000051.4(ATM):c.3891T>A (p.Tyr1297Ter)

Gene: ATM (ATM serine/threonine kinase; plus strand). Cytogenetic location: 11q22.3.
Variant type: single nucleotide variant.
Coding change: c.3891T>A on transcript NM_000051.4 (MANE Select); coding-DNA position 3891, T replaced by A.
Protein change: p.Tyr1297Ter; replaces tyrosine 1297 with a stop codon.
Molecular consequence: nonsense.
Genome position (GRCh38, 1-based): chr11:108,284,371, T>A. VCF-style: chr11-108284371-T-A. GRCh37 (hg19) VCF-style: chr11-108155098-T-A.
Other names: c.3891T>A, p.Tyr1297Ter (NM_001351834.2); short protein forms Y1297*.
Identifiers: ClinVar variation 2765629 (VCV002765629.3), dbSNP rs2135707669, ClinGen allele CA382525504.